The following is an entry in ClinVar:

ClinVar aggregate classification (germline): Uncertain significance. Review status: criteria provided, multiple submitters, no conflicts (2 of 4 stars). 2 submissions from 2 submitters: Uncertain significance (2). Last evaluated 2024-11-07.

Allele frequency attached by ClinVar (database versions not stated): ESP Exome Variant Server 0.00023; ExAC 0.00003; TOPMed 0.00007; gnomAD exomes 0.00004; gnomAD 0.00007.
gnomAD v4.1: 57 of 1,613,678 alleles (0.0035%); highest among the groups gnomAD compares: African/African-American, 0.016%; no homozygotes.

Submissions (2):

Blueprint Genetics
Classification: Uncertain significance. Last evaluated: 2024-11-07. Review status: criteria provided, single submitter. Criteria: ACMG Guidelines, 2015. Collection method: clinical testing. Allele origin: germline.

Labcorp Genetics (formerly Invitae), Labcorp
Classification: Uncertain significance. Last evaluated: 2022-07-19. Review status: criteria provided, single submitter. Criteria: Invitae Variant Classification Sherloc (09022015). Collection method: clinical testing. Allele origin: germline.
Comment: This sequence change replaces arginine, which is basic and polar, with cysteine, which is neutral and slightly polar, at codon 298 of the SLC45A2 protein (p.Arg298Cys). This variant is present in population databases (rs148480891, gnomAD 0.02%). This variant has not been reported in the literature in individuals affected with SLC45A2-related conditions. ClinVar contains an entry for this variant (Variation ID: 1443066). Algorithms developed to predict the effect of missense changes on protein structure and function output the following: SIFT: "Deleterious"; PolyPhen-2: "Benign"; Align-GVGD: "Class C35". The cysteine amino acid residue is found in multiple mammalian species, which suggests that this missense change does not adversely affect protein function. In summary, the available evidence is currently insufficient to determine the role of this variant in disease. Therefore, it has been classified as a Variant of Uncertain Significance.

NM_016180.5(SLC45A2):c.892C>T (p.Arg298Cys)

Gene: SLC45A2 (solute carrier family 45 member 2; minus strand). Cytogenetic location: 5p13.2.
Variant type: single nucleotide variant.
Coding change: c.892C>T on transcript NM_016180.5 (MANE Select); coding-DNA position 892, C replaced by T.
Protein change: p.Arg298Cys; replaces arginine 298 with cysteine.
Molecular consequence: missense variant.
Genome position (GRCh38, 1-based): chr5:33,954,501, G>A on the plus strand (C>T on the coding strand, the complement: SLC45A2 is on the minus strand). VCF-style: chr5-33954501-G-A. GRCh37 (hg19) VCF-style: chr5-33954606-G-A.
Other names: c.892C>T, p.Arg298Cys (NM_001012509.4); c.566C>T, p.Ser189Leu (NM_001297417.4); short protein forms R298C, S189L.
Identifiers: ClinVar variation 1443066 (VCV001443066.4), dbSNP rs148480891, ClinGen allele CA3225654.